The following is an entry in ClinVar:

ClinVar aggregate classification (germline): Uncertain significance (1 of 4 stars; one submission).

Submission:

Labcorp Genetics (formerly Invitae), Labcorp
Classification: Uncertain significance. Last evaluated: 2022-09-06. Review status: criteria provided, single submitter. Criteria: Invitae Variant Classification Sherloc (09022015). Collection method: clinical testing. Allele origin: germline.
Comment: In summary, the available evidence is currently insufficient to determine the role of this variant in disease. Therefore, it has been classified as a Variant of Uncertain Significance. Algorithms developed to predict the effect of missense changes on protein structure and function are either unavailable or do not agree on the potential impact of this missense change (SIFT: "Deleterious"; PolyPhen-2: "Not Available"; Align-GVGD: "Class C65"). This variant has not been reported in the literature in individuals affected with DDX3X-related conditions. This variant is not present in population databases (gnomAD no frequency). This sequence change replaces proline, which is neutral and non-polar, with arginine, which is basic and polar, at codon 267 of the DDX3X protein (p.Pro267Arg).

NM_001356.5(DDX3X):c.800C>G (p.Pro267Arg)

Gene: DDX3X (DEAD-box helicase 3 X-linked; plus strand). Cytogenetic location: Xp11.4.
Variant type: single nucleotide variant.
Coding change: c.800C>G on transcript NM_001356.5 (MANE Select); coding-DNA position 800, C replaced by G.
Protein change: p.Pro267Arg; replaces proline 267 with arginine.
Molecular consequence: missense variant. On other transcripts: non-coding transcript variant (1).
Genome position (GRCh38, 1-based): chrX:41,344,064, C>G. VCF-style: chrX-41344064-C-G. GRCh37 (hg19) VCF-style: chrX-41203317-C-G.
Other names: c.800C>G, p.Pro267Arg (NM_001193416.3); c.752C>G, p.Pro251Arg (NM_001193417.3); c.242C>G, p.Pro81Arg (NM_001363819.1); short protein forms P267R, P251R, P81R.
Identifiers: ClinVar variation 2003967 (VCV002003967.4), dbSNP rs2519514308, ClinGen allele CA412770087.